The following is an entry in ClinVar:

ClinVar aggregate classification (germline): Uncertain significance (1 of 4 stars; one submission).

Allele frequency attached by ClinVar (database versions not stated): ESP Exome Variant Server 0.00008.
gnomAD v4.1: 4 of 1,604,360 alleles (0.00025%); highest among the groups gnomAD compares: Non-Finnish European, 0.00034%; no homozygotes.

Submission:

Labcorp Genetics (formerly Invitae), Labcorp
Classification: Uncertain significance. Last evaluated: 2025-07-09. Review status: criteria provided, single submitter. Criteria: Invitae Variant Classification Sherloc (09022015). Collection method: clinical testing. Allele origin: germline.
Comment: This sequence change replaces arginine, which is basic and polar, with glycine, which is neutral and non-polar, at codon 114 of the GUCY2C protein (p.Arg114Gly). This variant is present in population databases (rs376869445, gnomAD 0.007%). This variant has not been reported in the literature in individuals affected with GUCY2C-related conditions. ClinVar contains an entry for this variant (Variation ID: 2419408). Invitae Evidence Modeling of protein sequence and biophysical properties (such as structural, functional, and spatial information, amino acid conservation, physicochemical variation, residue mobility, and thermodynamic stability) indicates that this missense variant is not expected to disrupt GUCY2C protein function with a negative predictive value of 80%. Algorithms developed to predict the effect of sequence changes on RNA splicing suggest that this variant may disrupt the consensus splice site. In summary, the available evidence is currently insufficient to determine the role of this variant in disease. Therefore, it has been classified as a Variant of Uncertain Significance.

NM_004963.4(GUCY2C):c.340C>G (p.Arg114Gly)

Genes: GUCY2C (guanylate cyclase 2C; minus strand), GUCY2C-AS1 (GUCY2C antisense RNA 1; plus strand). Cytogenetic location: 12p12.3.
Variant type: single nucleotide variant.
Coding change: c.340C>G on transcript NM_004963.4 (MANE Select); coding-DNA position 340, C replaced by G.
Protein change: p.Arg114Gly; replaces arginine 114 with glycine.
Molecular consequence: missense variant.
Genome position (GRCh38, 1-based): chr12:14,686,216, G>C on the plus strand (C>G on the coding strand, the complement: GUCY2C is on the minus strand). VCF-style: chr12-14686216-G-C. GRCh37 (hg19) VCF-style: chr12-14839150-G-C.
Other names: short protein forms R114G.
Identifiers: ClinVar variation 2419408 (VCV002419408.7), dbSNP rs376869445, ClinGen allele CA6463771.